The following is an entry in ClinVar:

ClinVar aggregate classification (germline): Likely benign (0 of 4 stars; one submission).

Conditions:
REV3L-related disorder. Also called: REV3L-related condition.

gnomAD v4.1: 149 of 1,613,828 alleles (0.0092%); highest among the groups gnomAD compares: African/African-American, 0.17%; no homozygotes.

Submission:

PreventionGenetics, part of Exact Sciences
Classification: Likely benign for REV3L-related condition. Last evaluated: 2024-04-30. Review status: no assertion criteria provided. Collection method: clinical testing. Allele origin: germline.
Comment: This variant is classified as likely benign based on ACMG/AMP sequence variant interpretation guidelines (Richards et al. 2015 PMID: 25741868, with internal and published modifications).

NM_001372078.1(REV3L):c.228T>C (p.Leu76=)

Gene: REV3L (REV3 like, DNA directed polymerase zeta catalytic subunit; minus strand). Cytogenetic location: 6q21.
Variant type: single nucleotide variant.
Coding change: c.228T>C on transcript NM_001372078.1 (MANE Select); coding-DNA position 228, T replaced by C.
Protein change: p.Leu76=; no amino-acid change (leucine 76 retained).
Molecular consequence: synonymous variant. On other transcripts: 5 prime UTR variant (2).
Genome position (GRCh38, 1-based): chr6:111,416,384, A>G on the plus strand (T>C on the coding strand, the complement: REV3L is on the minus strand). VCF-style: chr6-111416384-A-G. GRCh37 (hg19) VCF-style: chr6-111737587-A-G.
Other names: c.-7T>C (NM_001286431.2, NM_001286432.2); c.228T>C, p.Leu76= (NM_002912.5).
Identifiers: ClinVar variation 3353881 (VCV003353881.1).